The following is an entry in ClinVar:

ClinVar aggregate classification (germline): Uncertain significance (1 of 4 stars; one submission).

Conditions:
Bardet-Biedl syndrome (BBS). Identifiers: Orphanet 110, MedGen C0752166, MONDO:0015229.

Submission:

Labcorp Genetics (formerly Invitae), Labcorp
Classification: Uncertain significance for Bardet-Biedl syndrome. Last evaluated: 2022-08-02. Review status: criteria provided, single submitter. Criteria: Invitae Variant Classification Sherloc (09022015). Collection method: clinical testing. Allele origin: germline.
Comment: A copy number gain of the genomic region encompassing the full coding sequence of the BBS4 gene has been identified. The boundaries of this event are unknown as they extend beyond the assayed region for this gene and therefore may encompass additional genes. As the precise location of this event is unknown, it may be in tandem or it may be located elsewhere in the genome. This variant has not been reported in the literature in individuals affected with BBS4-related conditions. In summary, the available evidence is currently insufficient to determine the role of this variant in disease. Therefore, it has been classified as a Variant of Uncertain Significance.

NC_000015.9:g.(?_72978569)_(75190071_?)dup

Genes: ADPGK (ADP dependent glucokinase; minus strand), ARID3B (AT-rich interaction domain 3B; plus strand), BBS4 (Bardet-Biedl syndrome 4; plus strand), CCDC33 (coiled-coil domain containing 33; plus strand), CD276 (CD276 molecule; plus strand) and 26 more. Cytogenetic location: 15q24.1.
Variant type: Duplication.
Identifiers: ClinVar variation 2427095 (VCV002427095.2).